The following is an entry in ClinVar:

ClinVar aggregate classification (germline): Uncertain significance. Review status: criteria provided, multiple submitters, no conflicts (2 of 4 stars). 2 submissions from 2 submitters: Uncertain significance (2). Last evaluated 2026-02-26.

Conditions:
Melnick-Needles syndrome (MNS). Also called: MELNICK-NEEDLES OSTEODYSPLASTY; OSTEODYSPLASTY OF MELNICK AND NEEDLES; Melnick-Needles Syndrome (FLNA-MNS). Identifiers: Orphanet 2484, MedGen C0025237, MONDO:0010650, OMIM 309350.
Frontometaphyseal dysplasia (FMD1). Identifiers: Orphanet 1826, MedGen C0265293, MONDO:0015942.
Heterotopia, periventricular, X-linked dominant (PVNH1). Also called: PERIVENTRICULAR NODULAR HETEROTOPIA 1; X-linked periventricular heterotopia; PERIVENTRICULAR NODULAR HETEROTOPIA 4; HETEROTOPIA, PERIVENTRICULAR, 1. Identifiers: Orphanet 2149, Orphanet 82004, MedGen C1848213, MONDO:0010233, OMIM 300049.
Oto-palato-digital syndrome, type II (OPD2). Also called: FACIOPALATOOSSEOUS SYNDROME; OPD II SYNDROME; Otopalatodigital Syndrome, Type II; Otopalatodigital Syndrome Type 2 (FLNA-OPD2). Identifiers: Orphanet 669, Orphanet 90652, MedGen C1844696, MONDO:0010571, OMIM 304120.
Familial thoracic aortic aneurysm and aortic dissection (TAAD). Also called: Thoracic aortic aneurysms and dissections. Identifiers: Orphanet 91387, MedGen C4707243, MONDO:0019625.

Submissions (2):

Ambry Genetics
Classification: Uncertain significance for Familial thoracic aortic aneurysm and aortic dissection. Last evaluated: 2026-02-26. Review status: criteria provided, single submitter. Criteria: Ambry Variant Classification Scheme 2023. Collection method: clinical testing. Allele origin: germline.

Labcorp Genetics (formerly Invitae), Labcorp
Classification: Uncertain significance for Oto-palato-digital syndrome, type II; Heterotopia, periventricular, X-linked dominant; Frontometaphyseal dysplasia; Melnick-Needles syndrome. Last evaluated: 2024-08-29. Review status: criteria provided, single submitter. Criteria: Invitae Variant Classification Sherloc (09022015). Collection method: clinical testing. Allele origin: germline.
Comment: This sequence change replaces valine, which is neutral and non-polar, with alanine, which is neutral and non-polar, at codon 591 of the FLNA protein (p.Val591Ala). This variant is not present in population databases (gnomAD no frequency). This variant has not been reported in the literature in individuals affected with FLNA-related conditions. Invitae Evidence Modeling of protein sequence and biophysical properties (such as structural, functional, and spatial information, amino acid conservation, physicochemical variation, residue mobility, and thermodynamic stability) indicates that this missense variant is not expected to disrupt FLNA protein function with a negative predictive value of 95%. In summary, the available evidence is currently insufficient to determine the role of this variant in disease. Therefore, it has been classified as a Variant of Uncertain Significance.

NM_001110556.2(FLNA):c.1772T>C (p.Val591Ala)

Gene: FLNA (filamin A; minus strand). Cytogenetic location: Xq28.
Variant type: single nucleotide variant.
Coding change: c.1772T>C on transcript NM_001110556.2 (MANE Select); coding-DNA position 1772, T replaced by C.
Protein change: p.Val591Ala; replaces valine 591 with alanine.
Molecular consequence: missense variant.
Genome position (GRCh38, 1-based): chrX:154,364,877, A>G on the plus strand (T>C on the coding strand, the complement: FLNA is on the minus strand). VCF-style: chrX-154364877-A-G. GRCh37 (hg19) VCF-style: chrX-153593245-A-G.
Other names: c.1772T>C, p.Val591Ala (NM_001456.4); c.1772T>C (NM_001456.3); short protein forms V591A.
Identifiers: ClinVar variation 3751199 (VCV003751199.3).